The following is an entry in ClinVar:

ClinVar aggregate classification (germline): Uncertain significance. Review status: criteria provided, multiple submitters, no conflicts (2 of 4 stars). 2 submissions from 2 submitters: Uncertain significance (2). Last evaluated 2025-08-25.

Conditions:
Neurofibromatosis, type 1 (NF1). Also called: Peripheral type neurofibromatosis; VON RECKLINGHAUSEN DISEASE; NEUROFIBROMATOSIS, TYPE I, SOMATIC; Neurofibromatosis, type I. Identifiers: Orphanet 636, MedGen C0027831, MONDO:0018975, OMIM 162200. Disease mechanism: loss of function.
Cardiovascular phenotype. Identifiers: MedGen CN230736.
Hereditary cancer-predisposing syndrome. Also called: Neoplastic Syndromes, Hereditary; Tumor predisposition; Hereditary neoplastic syndrome; Hereditary Cancer Syndrome. Identifiers: Orphanet 140162, MedGen C0027672, MeSH D009386, MONDO:0015356.

Submissions (2):

Labcorp Genetics (formerly Invitae), Labcorp
Classification: Uncertain significance for Neurofibromatosis, type 1. Last evaluated: 2025-08-25. Review status: criteria provided, single submitter. Criteria: Invitae Variant Classification Sherloc (09022015). Collection method: clinical testing. Allele origin: germline.
Comment: This sequence change replaces serine, which is neutral and polar, with threonine, which is neutral and polar, at codon 2813 of the NF1 protein (p.Ser2813Thr). This variant is not present in population databases (gnomAD no frequency). This variant has not been reported in the literature in individuals affected with NF1-related conditions. ClinVar contains an entry for this variant (Variation ID: 1763373). Invitae Evidence Modeling of protein sequence and biophysical properties (such as structural, functional, and spatial information, amino acid conservation, physicochemical variation, residue mobility, and thermodynamic stability) has been performed for this missense variant. However, the output from this modeling did not meet the statistical confidence thresholds required to predict the impact of this variant on NF1 protein function. In summary, the available evidence is currently insufficient to determine the role of this variant in disease. Therefore, it has been classified as a Variant of Uncertain Significance.

Ambry Genetics
Classification: Uncertain significance for Cardiovascular phenotype; Hereditary cancer-predisposing syndrome. Last evaluated: 2024-11-18. Review status: criteria provided, single submitter. Criteria: Ambry Variant Classification Scheme 2023. Collection method: clinical testing. Allele origin: germline.
Comment: The p.S2813T variant (also known as c.8438G>C), located in coding exon 57 of the NF1 gene, results from a G to C substitution at nucleotide position 8438. The serine at codon 2813 is replaced by threonine, an amino acid with similar properties. This amino acid position is highly conserved in available vertebrate species. In addition, this alteration is predicted to be tolerated by in silico analysis. Based on the available evidence, the clinical significance of this variant remains unclear.

NM_001042492.3(NF1):c.8501G>C (p.Ser2834Thr)

Gene: NF1 (neurofibromin 1; plus strand). Cytogenetic location: 17q11.2.
Variant type: single nucleotide variant.
Coding change: c.8501G>C on transcript NM_001042492.3 (MANE Select); coding-DNA position 8501, G replaced by C.
Protein change: p.Ser2834Thr; replaces serine 2834 with threonine.
Molecular consequence: missense variant.
Genome position (GRCh38, 1-based): chr17:31,374,136, G>C. VCF-style: chr17-31374136-G-C. GRCh37 (hg19) VCF-style: chr17-29701154-G-C.
Other names: c.8438G>C, p.Ser2813Thr (NM_000267.4); short protein forms S2834T, S2813T.
Identifiers: ClinVar variation 1763373 (VCV001763373.4), dbSNP rs2151601621, ClinGen allele CA399206112.